The following is an entry in ClinVar:

ClinVar aggregate classification (germline): Benign. Review status: criteria provided, multiple submitters, no conflicts (2 of 4 stars). 3 submissions from 3 submitters: Benign (3). Last evaluated 2026-07-01.

Allele frequency attached by ClinVar (database versions not stated): TOPMed 0.00392; 1000 Genomes Project 30x 0.00422; 1000 Genomes Project 0.00459; gnomAD 0.00472; ESP Exome Variant Server 0.00484; gnomAD exomes 0.00603 and 0.00628; ExAC 0.00711.
gnomAD v4.1: 9,924 of 1,613,480 alleles (0.62%); highest among the groups gnomAD compares: South Asian, 1.2%; 45 homozygotes.

Submissions (3):

CeGaT Center for Human Genetics Tuebingen
Classification: Benign. Last evaluated: 2026-07-01. Review status: criteria provided, single submitter. Criteria: CeGaT Center For Human Genetics Tuebingen Variant Classification Criteria Version 2. Collection method: clinical testing. Allele origin: germline. Affected: yes. Observed: 1 variant allele.
Comment: GNA14: BP4, BP7, BS1, BS2

Labcorp Genetics (formerly Invitae), Labcorp
Classification: Benign. Last evaluated: 2019-12-31. Review status: criteria provided, single submitter. Criteria: Invitae Variant Classification Sherloc (09022015). Collection method: clinical testing. Allele origin: germline.

Breakthrough Genomics
Classification: Benign. Review status: criteria provided, single submitter. Criteria: ACMG Guidelines, 2015. Collection method: not provided. Allele origin: germline. Inheritance: Unknown mechanism. Affected: yes.

NM_004297.4(GNA14):c.549C>T (p.Thr183=)

Gene: GNA14 (G protein subunit alpha 14; minus strand). Cytogenetic location: 9q21.2.
Variant type: single nucleotide variant.
Coding change: c.549C>T on transcript NM_004297.4 (MANE Select); coding-DNA position 549, C replaced by T.
Protein change: p.Thr183=; no amino-acid change (threonine 183 retained).
Molecular consequence: synonymous variant.
Genome position (GRCh38, 1-based): chr9:77,431,365, G>A on the plus strand (C>T on the coding strand, the complement: GNA14 is on the minus strand). VCF-style: chr9-77431365-G-A. GRCh37 (hg19) VCF-style: chr9-80046281-G-A.
Identifiers: ClinVar variation 775090 (VCV000775090.6), dbSNP rs61755086, ClinGen allele CA5094287.